The following is an entry in ClinVar:

ClinVar aggregate classification (germline): Likely benign. Review status: criteria provided, multiple submitters, no conflicts (2 of 4 stars). 2 submissions from 2 submitters: Likely benign (2). Last evaluated 2025-11-27.

Conditions:
T-cell immunodeficiency, congenital alopecia, and nail dystrophy. Also called: Congenital alopecia and nail dystrophy associated with severe functional T-cell immunodeficiency; Pignata Guarino syndrome. Identifiers: Orphanet 169095, MedGen C1866426, MONDO:0011132, OMIM 601705.

Allele frequency attached by ClinVar (database versions not stated): TOPMed 0.00001; gnomAD 0.00002; gnomAD exomes 0.00004 and 0.00006; ExAC 0.00005.
gnomAD v4.1: 61 of 1,613,848 alleles (0.0038%); highest among the groups gnomAD compares: South Asian, 0.063%; no homozygotes.

Submissions (2):

Labcorp Genetics (formerly Invitae), Labcorp
Classification: Likely benign for T-cell immunodeficiency, congenital alopecia, and nail dystrophy. Last evaluated: 2025-11-27. Review status: criteria provided, single submitter. Criteria: Invitae Variant Classification Sherloc (09022015). Collection method: clinical testing. Allele origin: germline.

CeGaT Center for Human Genetics Tuebingen
Classification: Likely benign. Last evaluated: 2025-08-01. Review status: criteria provided, single submitter. Criteria: CeGaT Center For Human Genetics Tuebingen Variant Classification Criteria Version 2. Collection method: clinical testing. Allele origin: germline. Affected: yes. Observed: 1 variant allele.
Comment: FOXN1: BP4

NM_001369369.1(FOXN1):c.1740C>T (p.Cys580=)

Gene: FOXN1 (forkhead box N1; plus strand). Cytogenetic location: 17q11.2.
Variant type: single nucleotide variant.
Coding change: c.1740C>T on transcript NM_001369369.1 (MANE Select); coding-DNA position 1740, C replaced by T.
Protein change: p.Cys580=; no amino-acid change (cysteine 580 retained).
Molecular consequence: synonymous variant.
Genome position (GRCh38, 1-based): chr17:28,537,229, C>T. VCF-style: chr17-28537229-C-T. GRCh37 (hg19) VCF-style: chr17-26864247-C-T.
Other names: c.1740C>T, p.Cys580= (NM_003593.3).
Identifiers: ClinVar variation 1128495 (VCV001128495.15), dbSNP rs780295141, ClinGen allele CA8459613.